The following is an entry in ClinVar:

ClinVar aggregate classification (germline): Uncertain significance (1 of 4 stars; one submission).

Conditions:
Megalencephaly-polymicrogyria-polydactyly-hydrocephalus syndrome 2 (MPPH2). Also called: MEGALENCEPHALY-POLYMICROGYRIA-POLYDACTYLY-HYDROCEPHALUS SYNDROME 2, SOMATIC. Identifiers: Orphanet 83473, MedGen C4014738, MONDO:0014407, OMIM 615937.

Submission:

Labcorp Genetics (formerly Invitae), Labcorp
Classification: Uncertain significance for Megalencephaly-polymicrogyria-polydactyly-hydrocephalus syndrome 2. Last evaluated: 2025-06-10. Review status: criteria provided, single submitter. Criteria: Invitae Variant Classification Sherloc (09022015). Collection method: clinical testing. Allele origin: germline.
Comment: This sequence change falls in intron 11 of the AKT3 gene. It does not directly change the encoded amino acid sequence of the AKT3 protein. It affects a nucleotide within the consensus splice site. This variant is not present in population databases (gnomAD no frequency). This variant has not been reported in the literature in individuals affected with AKT3-related conditions. Variants that disrupt the consensus splice site are a relatively common cause of aberrant splicing (PMID: 17576681, 9536098). Algorithms developed to predict the effect of sequence changes on RNA splicing suggest that this variant is not likely to affect RNA splicing. In summary, the available evidence is currently insufficient to determine the role of this variant in disease. Therefore, it has been classified as a Variant of Uncertain Significance.

Literature cited by the submitters: PubMed 17576681; PubMed 9536098.

NM_005465.7(AKT3):c.1251+5G>C

Gene: AKT3 (AKT serine/threonine kinase 3; minus strand). Cytogenetic location: 1q44.
Variant type: single nucleotide variant.
Coding change: c.1251+5G>C on transcript NM_005465.7 (MANE Select); 5 bases into the intron after coding-DNA position 1251, G replaced by C.
Molecular consequence: intron variant.
Genome position (GRCh38, 1-based): chr1:243,545,505, C>G on the plus strand (G>C on the coding strand, the complement: AKT3 is on the minus strand). VCF-style: chr1-243545505-C-G. GRCh37 (hg19) VCF-style: chr1-243708807-C-G.
Other names: c.1251+5G>C (NM_181690.2, NM_001370074.1, NM_001206729.2).
Identifiers: ClinVar variation 4708522 (VCV004708522.1).